The following is an entry in ClinVar:

NM_001330078.2(NRXN1):c.32G>A (p.Cys11Tyr)

Gene: NRXN1 (neurexin 1; minus strand). Cytogenetic location: 2p16.3.
Variant type: single nucleotide variant.
Coding change: c.32G>A on transcript NM_001330078.2 (MANE Select); coding-DNA position 32, G replaced by A.
Protein change: p.Cys11Tyr; replaces cysteine 11 with tyrosine.
Molecular consequence: missense variant.
Genome position (GRCh38, 1-based): chr2:51,028,242, C>T on the plus strand (G>A on the coding strand, the complement: NRXN1 is on the minus strand). VCF-style: chr2-51028242-C-T. GRCh37 (hg19) VCF-style: chr2-51255380-C-T.
Other names: p.C11Y:TGT>TAT; c.32G>A, p.Cys11Tyr (NM_001135659.3, NM_001330077.2, NM_001330079.2 and 15 more transcripts); short protein forms C11Y.
Identifiers: ClinVar variation 206217 (VCV000206217.12), dbSNP rs796052766, ClinGen allele CA316083.
Genomic context (GRCh38, chr2:51,028,242, plus strand): 5'-AGCCCGCTGCCCAGCTCCGCCCAGCAGCCCAGGAGCAGCAGCGAGAGGCACAGAAGAAAA[C>T]AGCCCCCGCGCTGGAGCAGCGCCGTCCCCATGCTCGGGGCTGGGGTGCGGCGGGGGGGTG-3'
Protein context (NP_001317007.1, residues 1-21): MGTALLQRGG[Cys11Tyr]FLLCLSLLLL

ClinVar aggregate classification (germline): Uncertain significance. Review status: criteria provided, multiple submitters, no conflicts (2 of 4 stars). 3 submissions from 3 submitters: Uncertain significance (3). Last evaluated 2025-08-14.

Conditions:
Inborn genetic diseases. Identifiers: MedGen C0950123, MeSH D030342.
Pitt-Hopkins-like syndrome 2 (PTHSL2). Identifiers: Orphanet 221150, Orphanet 600663, MedGen C3280479, MONDO:0013690, OMIM 614325.

Allele frequency attached by ClinVar (database versions not stated): gnomAD 0.00001; TOPMed 0.00001.
gnomAD v4.1: 2 of 1,467,074 alleles (0.00014%); highest among the groups gnomAD compares: African/African-American, 0.0014%; no homozygotes.

Submissions (3):

Ambry Genetics
Classification: Uncertain significance for Inborn genetic diseases. Last evaluated: 2025-08-14. Review status: criteria provided, single submitter. Criteria: Ambry Variant Classification Scheme 2023. Collection method: clinical testing. Allele origin: germline.

Labcorp Genetics (formerly Invitae), Labcorp
Classification: Uncertain significance for Pitt-Hopkins-like syndrome 2. Last evaluated: 2025-08-10. Review status: criteria provided, single submitter. Criteria: Invitae Variant Classification Sherloc (09022015). Collection method: clinical testing. Allele origin: germline.
Comment: This sequence change replaces cysteine, which is neutral and slightly polar, with tyrosine, which is neutral and polar, at codon 11 of the NRXN1 protein (p.Cys11Tyr). This variant is not present in population databases (gnomAD no frequency). This variant has not been reported in the literature in individuals affected with NRXN1-related conditions. ClinVar contains an entry for this variant (Variation ID: 206217). An algorithm developed to predict the effect of missense changes on protein structure and function (PolyPhen-2) suggests that this variant is likely to be tolerated. In summary, the available evidence is currently insufficient to determine the role of this variant in disease. Therefore, it has been classified as a Variant of Uncertain Significance.

GeneDx
Classification: Uncertain significance. Last evaluated: 2021-05-05. Review status: criteria provided, single submitter. Criteria: GeneDx Variant Classification Process June 2021. Collection method: clinical testing. Allele origin: germline. Affected: yes.
Comment: Not observed in large population cohorts (Lek et al., 2016); In silico analysis supports that this missense variant does not alter protein structure/function; Has not been previously published as pathogenic or benign to our knowledge